The following is an entry in ClinVar:

NM_000182.5(HADHA):c.1204C>T (p.Gln402Ter)

Genes: HADHA (hydroxyacyl-CoA dehydrogenase trifunctional multienzyme complex subunit alpha; minus strand), GAREM2 (GRB2 associated regulator of MAPK1 subtype 2; plus strand). Cytogenetic location: 2p23.3.
Variant type: single nucleotide variant.
Coding change: c.1204C>T on transcript NM_000182.5 (MANE Select); coding-DNA position 1204, C replaced by T.
Protein change: p.Gln402Ter; replaces glutamine 402 with a stop codon.
Molecular consequence: nonsense.
Genome position (GRCh38, 1-based): chr2:26,204,078, G>A on the plus strand (C>T on the coding strand, the complement: HADHA is on the minus strand). VCF-style: chr2-26204078-G-A. GRCh37 (hg19) VCF-style: chr2-26426947-G-A.
Other names: short protein forms Q402*.
Identifiers: ClinVar variation 1455608 (VCV001455608.6), dbSNP rs2147762267, ClinGen allele CA346128699.
Genomic context (GRCh38, chr2:26,204,078, plus strand): 5'-ACAAAGGACATTCTAACTCTTGCAAAGAGAGAGAGCAGGCTTACCCTTTGAACACTTGTT[G>A]CTGTCCTCGGTCTAGCGCAGTGAGGGTGGCATCTTTAAGTATAGTCTTTAGCCCCTTATC-3'

ClinVar aggregate classification (germline): Pathogenic (1 of 4 stars; one submission).

Conditions:
Mitochondrial trifunctional protein deficiency. Identifiers: Orphanet 746, MedGen C1969443, MONDO:0012172.
Long chain 3-hydroxyacyl-CoA dehydrogenase deficiency. Also called: LCHAD Deficiency; Deficiency of long-chain 3-hydroxyacyl-coenzyme A dehydrogenase. Identifiers: Orphanet 5, MedGen C3711645, MONDO:0012173, OMIM 609016.

Submission:

Labcorp Genetics (formerly Invitae), Labcorp
Classification: Pathogenic for Mitochondrial trifunctional protein deficiency; Long chain 3-hydroxyacyl-CoA dehydrogenase deficiency. Last evaluated: 2021-03-27. Review status: criteria provided, single submitter. Criteria: Invitae Variant Classification Sherloc (09022015). Collection method: clinical testing. Allele origin: germline.
Comment: For these reasons, this variant has been classified as Pathogenic. This variant has not been reported in the literature in individuals with HADHA-related conditions. This variant is not present in population databases (ExAC no frequency). This sequence change creates a premature translational stop signal (p.Gln402*) in the HADHA gene. It is expected to result in an absent or disrupted protein product. Loss-of-function variants in HADHA are known to be pathogenic (PMID: 7738175, 21103935, 21549624, 22459206).

Literature cited by the submitters: PubMed 7738175; PubMed 21103935; PubMed 21549624; PubMed 22459206.